The following is an entry in ClinVar:

NM_001041.4(SI):c.4868A>C (p.Asp1623Ala)

Gene: SI (sucrase-isomaltase; minus strand). Cytogenetic location: 3q26.1.
Variant type: single nucleotide variant.
Coding change: c.4868A>C on transcript NM_001041.4 (MANE Select); coding-DNA position 4868, A replaced by C.
Protein change: p.Asp1623Ala; replaces aspartic acid 1623 with alanine.
Molecular consequence: missense variant.
Genome position (GRCh38, 1-based): chr3:164,992,371, T>G on the plus strand (A>C on the coding strand, the complement: SI is on the minus strand). VCF-style: chr3-164992371-T-G. GRCh37 (hg19) VCF-style: chr3-164710159-T-G.
Other names: c.4868A>C (NM_001041.3); short protein forms D1623A.
Identifiers: ClinVar variation 1084790 (VCV001084790.12), dbSNP rs146899814, ClinGen allele CA2689756.

ClinVar aggregate classification (germline): Conflicting classifications of pathogenicity. Review status: criteria provided, conflicting classifications (1 of 4 stars). 3 submissions from 3 submitters: Uncertain significance (1); Likely benign (1). 1 of the submissions does not count toward it. Last evaluated 2026-01-27.

Conditions:
Inborn genetic diseases. Identifiers: MedGen C0950123, MeSH D030342.
SI-related disorder. Also called: SI-related condition.

Allele frequency attached by ClinVar (database versions not stated): gnomAD 0.00174 and 0.00187; TOPMed 0.00180; ESP Exome Variant Server 0.00185; 1000 Genomes Project 30x 0.00265; 1000 Genomes Project 0.00280.
gnomAD v4.1: 493 of 1,612,312 alleles (0.031%); highest among the groups gnomAD compares: African/African-American, 0.6%; 1 homozygote.

Submissions (3):

Labcorp Genetics (formerly Invitae), Labcorp
Classification: Likely benign. Last evaluated: 2026-01-27. Review status: criteria provided, single submitter. Criteria: Invitae Variant Classification Sherloc (09022015). Collection method: clinical testing. Allele origin: germline.

Ambry Genetics
Classification: Uncertain significance for Inborn genetic diseases. Last evaluated: 2025-08-07. Review status: criteria provided, single submitter. Criteria: Ambry Variant Classification Scheme 2023. Collection method: clinical testing. Allele origin: germline.

PreventionGenetics, part of Exact Sciences
Classification: Likely benign for SI-related condition. Last evaluated: 2019-05-27. Review status: no assertion criteria provided. Collection method: clinical testing. Allele origin: germline. Not counted in ClinVar's aggregate classification.
Comment: This variant is classified as likely benign based on ACMG/AMP sequence variant interpretation guidelines (Richards et al. 2015 PMID: 25741868, with internal and published modifications).